The following is an entry in ClinVar:

NM_001369.3(DNAH5):c.2440G>T (p.Glu814Ter)

Genes: DNAH5 (dynein axonemal heavy chain 5; minus strand), DNAH5-AS1 (DNAH5 antisense RNA 1; plus strand). Cytogenetic location: 5p15.2.
Variant type: single nucleotide variant.
Coding change: c.2440G>T on transcript NM_001369.3 (MANE Select); coding-DNA position 2440, G replaced by T.
Protein change: p.Glu814Ter; replaces glutamic acid 814 with a stop codon.
Molecular consequence: nonsense.
Genome position (GRCh38, 1-based): chr5:13,891,113, C>A on the plus strand (G>T on the coding strand, the complement: DNAH5 is on the minus strand). VCF-style: chr5-13891113-C-A. GRCh37 (hg19) VCF-style: chr5-13891222-C-A.
Other names: short protein forms E814*.
Identifiers: ClinVar variation 2904785 (VCV002904785.3), dbSNP rs2547057694, ClinGen allele CA359199899.

ClinVar aggregate classification (germline): Pathogenic (1 of 4 stars; one submission).

Conditions:
Primary ciliary dyskinesia. Also called: Ciliary dyskinesia. Identifiers: Orphanet 244, MedGen C0008780, MONDO:0016575, HP:0012265.

Submission:

Labcorp Genetics (formerly Invitae), Labcorp
Classification: Pathogenic for Primary ciliary dyskinesia. Last evaluated: 2022-11-24. Review status: criteria provided, single submitter. Criteria: Invitae Variant Classification Sherloc (09022015). Collection method: clinical testing. Allele origin: germline.
Comment: This sequence change creates a premature translational stop signal (p.Glu814*) in the DNAH5 gene. It is expected to result in an absent or disrupted protein product. Loss-of-function variants in DNAH5 are known to be pathogenic (PMID: 11788826, 16627867). This variant is not present in population databases (gnomAD no frequency). This variant has not been reported in the literature in individuals affected with DNAH5-related conditions. Algorithms developed to predict the effect of sequence changes on RNA splicing suggest that this variant may disrupt the consensus splice site. For these reasons, this variant has been classified as Pathogenic.

Literature cited by the submitters: PubMed 11788826; PubMed 16627867.